The following is an entry in ClinVar:

NM_016247.4(IMPG2):c.1239+3A>G

Gene: IMPG2 (interphotoreceptor matrix proteoglycan 2; minus strand). Cytogenetic location: 3q12.3.
Variant type: single nucleotide variant.
Coding change: c.1239+3A>G on transcript NM_016247.4 (MANE Select); 3 bases into the intron after coding-DNA position 1239, A replaced by G.
Molecular consequence: intron variant.
Genome position (GRCh38, 1-based): chr3:101,253,693, T>C on the plus strand (A>G on the coding strand, the complement: IMPG2 is on the minus strand). VCF-style: chr3-101253693-T-C. GRCh37 (hg19) VCF-style: chr3-100972537-T-C.
Identifiers: ClinVar variation 2071800 (VCV002071800.4), dbSNP rs2508961093, ClinGen allele CA2580068538.

ClinVar aggregate classification (germline): Uncertain significance (1 of 4 stars; one submission).

Submission:

Labcorp Genetics (formerly Invitae), Labcorp
Classification: Uncertain significance. Last evaluated: 2024-04-17. Review status: criteria provided, single submitter. Criteria: Invitae Variant Classification Sherloc (09022015). Collection method: clinical testing. Allele origin: germline.
Comment: This sequence change falls in intron 11 of the IMPG2 gene. It does not directly change the encoded amino acid sequence of the IMPG2 protein. It affects a nucleotide within the consensus splice site. This variant is not present in population databases (gnomAD no frequency). This variant has not been reported in the literature in individuals affected with IMPG2-related conditions. ClinVar contains an entry for this variant (Variation ID: 2071800). Variants that disrupt the consensus splice site are a relatively common cause of aberrant splicing (PMID: 17576681, 9536098). Algorithms developed to predict the effect of sequence changes on RNA splicing suggest that this variant is not likely to affect RNA splicing. In summary, the available evidence is currently insufficient to determine the role of this variant in disease. Therefore, it has been classified as a Variant of Uncertain Significance.

Literature cited by the submitters: PubMed 17576681; PubMed 9536098.